The following is an entry in ClinVar:

ClinVar aggregate classification (germline): Uncertain significance. Review status: criteria provided, multiple submitters, no conflicts (2 of 4 stars). 2 submissions from 2 submitters: Uncertain significance (2). Last evaluated 2024-02-04.

Conditions:
Familial dysautonomia. Also called: FD; HSAN III. Identifiers: Orphanet 1764, MedGen C0013364, MONDO:0009131, OMIM 223900. Disease mechanism: loss of function.
Medulloblastoma (MDB). Also called: MEDULLOBLASTOMA PREDISPOSITION SYNDROME; Medulloblastoma, somatic. Identifiers: Orphanet 616, MedGen C0025149, MeSH D008527, MONDO:0007959, OMIM 155255, HP:0002885.

Submissions (2):

Fulgent Genetics
Classification: Uncertain significance for Medulloblastoma; Familial dysautonomia. Last evaluated: 2024-02-04. Review status: criteria provided, single submitter. Criteria: ACMG Guidelines, 2015. Collection method: clinical testing. Allele origin: germline.

Ambry Genetics
Classification: Uncertain significance. Last evaluated: 2020-03-23. Review status: criteria provided, single submitter. Criteria: Ambry Variant Classification Scheme 2023. Collection method: clinical testing. Allele origin: germline.
Comment: The p.L573Q variant (also known as c.1718T>A), located in coding exon 14 of the IKBKAP gene, results from a T to A substitution at nucleotide position 1718. The leucine at codon 573 is replaced by glutamine, an amino acid with dissimilar properties. This amino acid position is well conserved in available vertebrate species. In addition, the in silico prediction for this alteration is inconclusive. Since supporting evidence is limited at this time, the clinical significance of this alteration remains unclear.

NM_003640.5(ELP1):c.1718T>A (p.Leu573Gln)

Gene: ELP1 (elongator acetyltransferase complex subunit 1; minus strand). Cytogenetic location: 9q31.3.
Variant type: single nucleotide variant.
Coding change: c.1718T>A on transcript NM_003640.5 (MANE Select); coding-DNA position 1718, T replaced by A.
Protein change: p.Leu573Gln; replaces leucine 573 with glutamine.
Molecular consequence: missense variant.
Genome position (GRCh38, 1-based): chr9:108,903,595, A>T on the plus strand (T>A on the coding strand, the complement: ELP1 is on the minus strand). VCF-style: chr9-108903595-A-T. GRCh37 (hg19) VCF-style: chr9-111665875-A-T.
Other names: c.1376T>A, p.Leu459Gln (NM_001318360.2); c.671T>A, p.Leu224Gln (NM_001330749.2); short protein forms L224Q, L459Q, L573Q.
Identifiers: ClinVar variation 1800232 (VCV001800232.3), dbSNP rs2537907436, ClinGen allele CA374425968.